The following is an entry in ClinVar:

NM_007294.4(BRCA1):c.71G>T (p.Cys24Phe)

Gene: BRCA1 (BRCA1 DNA repair associated; minus strand). Cytogenetic location: 17q21.31.
Variant type: single nucleotide variant.
Coding change: c.71G>T on transcript NM_007294.4 (MANE Select); coding-DNA position 71, G replaced by T.
Protein change: p.Cys24Phe; replaces cysteine 24 with phenylalanine.
Molecular consequence: missense variant. On other transcripts: 5 prime UTR variant (1), non-coding transcript variant (1).
Genome position (GRCh38, 1-based): chr17:43,124,026, C>A on the plus strand (G>T on the coding strand, the complement: BRCA1 is on the minus strand). VCF-style: chr17-43124026-C-A. GRCh37 (hg19) VCF-style: chr17-41276043-C-A.
Other names: c.-118G>T (NM_001407571.1, NM_001407853.1, NM_001407879.1 and 46 more transcripts); c.71G>T, p.Cys24Phe (NM_001407581.1, NM_001407582.1, NM_001407583.1 and 193 more transcripts); c.-187G>T (NM_001407694.1, NM_001407724.1, NM_001407727.1 and 11 more transcripts); c.-191G>T (NM_001407695.1, NM_001408465.1); c.-332G>T (NM_001407696.1); c.-216G>T (NM_001407697.1, NM_001407846.1, NM_001407920.1); c.-17G>T (NM_001407698.1, NM_001407732.1, NM_001407736.1 and 23 more transcripts); c.-190G>T (NM_001407725.1, NM_001407730.1, NM_001407734.1 and 22 more transcripts); and 8 more; short protein forms C24F.
Identifiers: ClinVar variation 868781 (VCV000868781.3), dbSNP rs80357198, ClinGen allele CA10602014.

Conditions:
Breast-ovarian cancer, familial, susceptibility to, 1 (BROVCA1). Also called: BRCA1 Hereditary Breast and Ovarian Cancer; OVARIAN CANCER, SUSCEPTIBILITY TO. Identifiers: Orphanet 145, MedGen C2676676, MONDO:0011450, OMIM 604370. Disease mechanism: loss of function.

Submission:

Brotman Baty Institute, University of Washington
No classification provided (evidence only). Condition: Breast-ovarian cancer, familial 1. Review status: no classification provided. Collection method: in vitro. Allele origin: not applicable. Functional consequence: function_uncertain_variant.
ClinVar note: "not provided" was previously submitted as the classification for the variant. However, the classification appeared to be based only on an observation of functional data so it was converted to no classification on 2025-07-30.